The following is an entry in ClinVar:

NM_177438.3(DICER1):c.4441T>C (p.Trp1481Arg)

Gene: DICER1 (dicer 1, ribonuclease III; minus strand). Cytogenetic location: 14q32.13.
Variant type: single nucleotide variant.
Coding change: c.4441T>C on transcript NM_177438.3 (MANE Select); coding-DNA position 4441, T replaced by C.
Protein change: p.Trp1481Arg; replaces tryptophan 1481 with arginine.
Molecular consequence: missense variant.
Genome position (GRCh38, 1-based): chr14:95,096,479, A>G on the plus strand (T>C on the coding strand, the complement: DICER1 is on the minus strand). VCF-style: chr14-95096479-A-G. GRCh37 (hg19) VCF-style: chr14-95562816-A-G.
Other names: c.4441T>C, p.Trp1481Arg (NM_001195573.1, NM_001271282.3, NM_001291628.2 and 1 more transcripts); short protein forms W1481R.
Identifiers: ClinVar variation 824896 (VCV000824896.15), dbSNP rs778414751, ClinGen allele CA7330843.
Genomic context (GRCh38, chr14:95,096,479, plus strand): 5'-AATCCTCAAAATCTGATGAAAATGGCATACTACCTAAGGAGGATTTTTTGGGCATTTTCC[A>G]TTCATATGCAGAATCAGTGGTTGAAAAAGGAGAAAGAGAGATTTTCTTTACAAAAGCTCC-3'
Protein context (NP_803187.1, residues 1471-1491): PFSTTDSAYE[Trp1481Arg]KMPKKSSLGS

ClinVar aggregate classification (germline): Uncertain significance. Review status: criteria provided, multiple submitters, no conflicts (2 of 4 stars). 4 submissions from 4 submitters: Uncertain significance (4). Last evaluated 2024-11-19.

Conditions:
DICER1-related tumor predisposition. Also called: DICER1-related pleuropulmonary blastoma cancer predisposition syndrome; DICER1 syndrome. Identifiers: Orphanet 284343, MedGen C3839822, MONDO:0100216.
Hereditary cancer-predisposing syndrome. Also called: Neoplastic Syndromes, Hereditary; Tumor predisposition; Hereditary Cancer Syndrome; Hereditary neoplastic syndrome. Identifiers: Orphanet 140162, MedGen C0027672, MeSH D009386, MONDO:0015356.

Allele frequency attached by ClinVar (database versions not stated): gnomAD exomes below 0.00001; TOPMed below 0.00001; ExAC 0.00001; gnomAD 0.00001.
gnomAD v4.1: 2 of 1,614,126 alleles (0.00012%); highest among the groups gnomAD compares: Non-Finnish European, 0.00017%; no homozygotes.

Submissions (4):

Blueprint Genetics
Classification: Uncertain significance. Last evaluated: 2024-11-19. Review status: criteria provided, single submitter. Criteria: ACMG Guidelines, 2015. Collection method: clinical testing. Allele origin: germline.

Ambry Genetics
Classification: Uncertain significance for Hereditary cancer-predisposing syndrome. Last evaluated: 2024-10-09. Review status: criteria provided, single submitter. Criteria: Ambry Variant Classification Scheme 2023. Collection method: clinical testing. Allele origin: germline.
Comment: The p.W1481R variant (also known as c.4441T>C), located in coding exon 22 of the DICER1 gene, results from a T to C substitution at nucleotide position 4441. The tryptophan at codon 1481 is replaced by arginine, an amino acid with dissimilar properties. This amino acid position is highly conserved in available vertebrate species. In addition, this alteration is predicted to be deleterious by in silico analysis. Based on the available evidence, the clinical significance of this variant remains unclear.

Labcorp Genetics (formerly Invitae), Labcorp
Classification: Uncertain significance for DICER1-related tumor predisposition. Last evaluated: 2024-05-21. Review status: criteria provided, single submitter. Criteria: Invitae Variant Classification Sherloc (09022015). Collection method: clinical testing. Allele origin: germline.
Comment: This sequence change replaces tryptophan, which is neutral and slightly polar, with arginine, which is basic and polar, at codon 1481 of the DICER1 protein (p.Trp1481Arg). This variant is not present in population databases (gnomAD no frequency). This missense change has been observed in individual(s) with lung adenocarcinoma (PMID: 30672147). ClinVar contains an entry for this variant (Variation ID: 824896). An algorithm developed to predict the effect of missense changes on protein structure and function (PolyPhen-2) suggests that this variant is likely to be disruptive. In summary, the available evidence is currently insufficient to determine the role of this variant in disease. Therefore, it has been classified as a Variant of Uncertain Significance.

GeneDx
Classification: Uncertain significance. Last evaluated: 2022-11-30. Review status: criteria provided, single submitter. Criteria: GeneDx Variant Classification Process June 2021. Collection method: clinical testing. Allele origin: germline. Affected: yes.
Comment: Not observed at significant frequency in large population cohorts (gnomAD); In silico analysis supports that this missense variant does not alter protein structure/function; Observed in a patient with lung cancer (Kim et al., 2019); This variant is associated with the following publications: (PMID: 30672147)

Literature cited by the submitters: PubMed 30672147 (cited by Ambry Genetics and Labcorp Genetics (formerly Invitae), Labcorp).